The following is an entry in ClinVar:

NM_003906.5(MCM3AP):c.4550-3A>G

Genes: MCM3AP (minichromosome maintenance complex component 3 associated protein; minus strand), MCM3AP-AS1 (MCM3AP antisense RNA 1; plus strand). Cytogenetic location: 21q22.3.
Variant type: single nucleotide variant.
Coding change: c.4550-3A>G on transcript NM_003906.5 (MANE Select); 3 bases into the intron before coding-DNA position 4550, A replaced by G.
Molecular consequence: intron variant.
Genome position (GRCh38, 1-based): chr21:46,246,407, T>C on the plus strand (A>G on the coding strand, the complement: MCM3AP is on the minus strand). VCF-style: chr21-46246407-T-C. GRCh37 (hg19) VCF-style: chr21-47666321-T-C.
Identifiers: ClinVar variation 2088279 (VCV002088279.4), dbSNP rs2517325648, ClinGen allele CA2580098942.
Genomic context (GRCh38, chr21:46,246,407, plus strand): 5'-TCGGTAACAGTGTAATCTGAAATCAGCTTAGCTGAAACCAAGTCCTGTAGCATCAGACCT[T>C]TAAGACAGACATAGATGAAGGTCACTTGCATTCTGCTGTCAGCACACCTGCTAACATATC-3'

ClinVar aggregate classification (germline): Uncertain significance (1 of 4 stars; one submission).

Submission:

Labcorp Genetics (formerly Invitae), Labcorp
Classification: Uncertain significance. Last evaluated: 2022-01-19. Review status: criteria provided, single submitter. Criteria: Invitae Variant Classification Sherloc (09022015). Collection method: clinical testing. Allele origin: germline.
Comment: In summary, the available evidence is currently insufficient to determine the role of this variant in disease. Therefore, it has been classified as a Variant of Uncertain Significance. Variants that disrupt the consensus splice site are a relatively common cause of aberrant splicing (PMID: 17576681, 9536098). Algorithms developed to predict the effect of sequence changes on RNA splicing suggest that this variant may disrupt the consensus splice site. This variant has not been reported in the literature in individuals affected with MCM3AP-related conditions. This variant is not present in population databases (gnomAD no frequency). This sequence change falls in intron 21 of the MCM3AP gene. It does not directly change the encoded amino acid sequence of the MCM3AP protein. It affects a nucleotide within the consensus splice site.

Literature cited by the submitters: PubMed 17576681; PubMed 9536098.